The following is an entry in ClinVar:

NM_015378.4(VPS13D):c.799T>A (p.Cys267Ser)

Gene: VPS13D (vacuolar protein sorting 13 homolog D; plus strand). Cytogenetic location: 1p36.22.
Variant type: single nucleotide variant.
Coding change: c.799T>A on transcript NM_015378.4 (MANE Select); coding-DNA position 799, T replaced by A.
Protein change: p.Cys267Ser; replaces cysteine 267 with serine.
Molecular consequence: missense variant.
Genome position (GRCh38, 1-based): chr1:12,256,462, T>A. VCF-style: chr1-12256462-T-A. GRCh37 (hg19) VCF-style: chr1-12316519-T-A.
Other names: c.799T>A, p.Cys267Ser (NM_018156.4); short protein forms C267S.
Identifiers: ClinVar variation 2100056 (VCV002100056.4), dbSNP rs1640925103, ClinGen allele CA338457677.

ClinVar aggregate classification (germline): Uncertain significance (1 of 4 stars; one submission).

Submission:

Labcorp Genetics (formerly Invitae), Labcorp
Classification: Uncertain significance. Last evaluated: 2022-02-20. Review status: criteria provided, single submitter. Criteria: Invitae Variant Classification Sherloc (09022015). Collection method: clinical testing. Allele origin: germline.
Comment: Algorithms developed to predict the effect of missense changes on protein structure and function are either unavailable or do not agree on the potential impact of this missense change (SIFT: "Not Available"; PolyPhen-2: "Possibly Damaging"; Align-GVGD: "Not Available"). In summary, the available evidence is currently insufficient to determine the role of this variant in disease. Therefore, it has been classified as a Variant of Uncertain Significance. This variant has not been reported in the literature in individuals affected with VPS13D-related conditions. This variant is not present in population databases (gnomAD no frequency). This sequence change replaces cysteine, which is neutral and slightly polar, with serine, which is neutral and polar, at codon 267 of the VPS13D protein (p.Cys267Ser).